The following is an entry in ClinVar:

ClinVar aggregate classification (germline): Uncertain significance (1 of 4 stars; one submission).

Conditions:
Sulfite oxidase deficiency due to molybdenum cofactor deficiency type C. Also called: Molybdenum cofactor deficiency, complementation group C; Molybdenum cofactor deficiency C. Identifiers: Orphanet 308400, Orphanet 833, MedGen C1854990, MONDO:0014212, OMIM 615501.

gnomAD v4.1: 14 of 1,599,356 alleles (0.00088%); highest among the groups gnomAD compares: East Asian, 0.0022%; no homozygotes.

Submission:

Labcorp Genetics (formerly Invitae), Labcorp
Classification: Uncertain significance for Sulfite oxidase deficiency due to molybdenum cofactor deficiency type C. Last evaluated: 2024-12-17. Review status: criteria provided, single submitter. Criteria: Invitae Variant Classification Sherloc (09022015). Collection method: clinical testing. Allele origin: germline.
Comment: This sequence change replaces arginine, which is basic and polar, with histidine, which is basic and polar, at codon 34 of the GPHN protein (p.Arg34His). The frequency data for this variant in the population databases is considered unreliable, as metrics indicate poor data quality at this position in the gnomAD database. This variant has not been reported in the literature in individuals affected with GPHN-related conditions. Invitae Evidence Modeling of protein sequence and biophysical properties (such as structural, functional, and spatial information, amino acid conservation, physicochemical variation, residue mobility, and thermodynamic stability) indicates that this missense variant is not expected to disrupt GPHN protein function with a negative predictive value of 80%. In summary, the available evidence is currently insufficient to determine the role of this variant in disease. Therefore, it has been classified as a Variant of Uncertain Significance.

NM_020806.5(GPHN):c.101G>A (p.Arg34His)

Gene: GPHN (gephyrin; plus strand). Cytogenetic location: 14q23.3.
Variant type: single nucleotide variant.
Coding change: c.101G>A on transcript NM_020806.5 (MANE Select); coding-DNA position 101, G replaced by A.
Protein change: p.Arg34His; replaces arginine 34 with histidine.
Molecular consequence: missense variant.
Genome position (GRCh38, 1-based): chr14:66,681,143, G>A. VCF-style: chr14-66681143-G-A. GRCh37 (hg19) VCF-style: chr14-67147861-G-A.
Other names: c.101G>A, p.Arg34His (NM_001024218.2, NM_001377514.1, NM_001377515.1 and 4 more transcripts); short protein forms R34H.
Identifiers: ClinVar variation 3728066 (VCV003728066.2).